The following is an entry in ClinVar:

NM_005502.4(ABCA1):c.4249C>T (p.Arg1417Cys)

Gene: ABCA1 (ATP binding cassette subfamily A member 1; minus strand). Cytogenetic location: 9q31.1.
Variant type: single nucleotide variant.
Coding change: c.4249C>T on transcript NM_005502.4 (MANE Select); coding-DNA position 4249, C replaced by T.
Protein change: p.Arg1417Cys; replaces arginine 1417 with cysteine.
Molecular consequence: missense variant.
Genome position (GRCh38, 1-based): chr9:104,809,491, G>A on the plus strand (C>T on the coding strand, the complement: ABCA1 is on the minus strand). VCF-style: chr9-104809491-G-A. GRCh37 (hg19) VCF-style: chr9-107571772-G-A.
Other names: short protein forms R1417C.
Identifiers: ClinVar variation 1491990 (VCV001491990.8), dbSNP rs749089795, ClinGen allele CA5168193.

ClinVar aggregate classification (germline): Uncertain significance. Review status: criteria provided, multiple submitters, no conflicts (2 of 4 stars). 2 submissions from 2 submitters: Uncertain significance (2). Last evaluated 2022-07-19.

Conditions:
Cardiovascular phenotype. Identifiers: MedGen CN230736.

Allele frequency attached by ClinVar (database versions not stated): gnomAD exomes 0.00002 and 0.00003; ExAC 0.00003; gnomAD 0.00003 and 0.00004; TOPMed 0.00003.
gnomAD v4.1: 32 of 1,614,074 alleles (0.002%); highest among the groups gnomAD compares: South Asian, 0.0044%; no homozygotes.

Submissions (2):

Labcorp Genetics (formerly Invitae), Labcorp
Classification: Uncertain significance. Last evaluated: 2022-07-19. Review status: criteria provided, single submitter. Criteria: Invitae Variant Classification Sherloc (09022015). Collection method: clinical testing. Allele origin: germline.
Comment: In summary, the available evidence is currently insufficient to determine the role of this variant in disease. Therefore, it has been classified as a Variant of Uncertain Significance. Algorithms developed to predict the effect of missense changes on protein structure and function are either unavailable or do not agree on the potential impact of this missense change (SIFT: "Deleterious"; PolyPhen-2: "Possibly Damaging"; Align-GVGD: "Class C0"). ClinVar contains an entry for this variant (Variation ID: 1491990). This variant has not been reported in the literature in individuals affected with ABCA1-related conditions. This variant is present in population databases (rs749089795, gnomAD 0.01%). This sequence change replaces arginine, which is basic and polar, with cysteine, which is neutral and slightly polar, at codon 1417 of the ABCA1 protein (p.Arg1417Cys).

Ambry Genetics
Classification: Uncertain significance for Cardiovascular phenotype. Last evaluated: 2021-12-23. Review status: criteria provided, single submitter. Criteria: Ambry Variant Classification Scheme 2023. Collection method: clinical testing. Allele origin: germline.
Comment: The p.R1417C variant (also known as c.4249C>T), located in coding exon 29 of the ABCA1 gene, results from a C to T substitution at nucleotide position 4249. The arginine at codon 1417 is replaced by cysteine, an amino acid with highly dissimilar properties. This amino acid position is conserved. In addition, this alteration is predicted to be deleterious by in silico analysis. Since supporting evidence is limited at this time, the clinical significance of this alteration remains unclear.